The following is an entry in ClinVar:

NM_005236.3(ERCC4):c.124G>A (p.Asp42Asn)

Genes: ERCC4 (ERCC excision repair 4, endonuclease catalytic subunit; plus strand), LOC130058543 (ATAC-STARR-seq lymphoblastoid active region 10486; plus strand). Cytogenetic location: 16p13.12.
Variant type: single nucleotide variant.
Coding change: c.124G>A on transcript NM_005236.3 (MANE Select); coding-DNA position 124, G replaced by A.
Protein change: p.Asp42Asn; replaces aspartic acid 42 with asparagine.
Molecular consequence: missense variant.
Genome position (GRCh38, 1-based): chr16:13,920,289, G>A. VCF-style: chr16-13920289-G-A. GRCh37 (hg19) VCF-style: chr16-14014146-G-A.
Other names: short protein forms D42N.
Identifiers: ClinVar variation 1045245 (VCV001045245.9), dbSNP rs767138486, ClinGen allele CA7910092.
Genomic context (GRCh38, chr16:13,920,289, plus strand): 5'-CTGGTGCTGGAACTGCTCGACACTGACGGGCTAGTAGTGTGCGCCCGCGGGCTCGGCGCG[G>A]ACCGGCTCCTCTACCACTTTCTCCAGCTGCACTGCCACCCAGCCTGCCTGGTGCTGGTGC-3'
Protein context (NP_005227.1, residues 32-52): LVVCARGLGA[Asp42Asn]RLLYHFLQLH

ClinVar aggregate classification (germline): Uncertain significance (1 of 4 stars; one submission).

Conditions:
Fanconi anemia complementation group Q. Identifiers: Orphanet 84, MedGen C3808988, MONDO:0014108, OMIM 615272.
Xeroderma pigmentosum, group F (XPF). Also called: XERODERMA PIGMENTOSUM, COMPLEMENTATION GROUP F; XERODERMA PIGMENTOSUM VI; XP, GROUP F; ERCC4-Related Xeroderma Pigmentosum; XERODERMA PIGMENTOSUM, TYPE F; Xeroderma pigmentosum, type 6. Identifiers: MedGen C0268140, MONDO:0010215, OMIM 278760.
Cockayne syndrome. Identifiers: Orphanet 191, MedGen C0009207, MONDO:0016006.

Allele frequency attached by ClinVar (database versions not stated): gnomAD 0.00001; gnomAD exomes 0.00001; TOPMed 0.00001; ExAC 0.00002.
gnomAD v4.1: 18 of 1,604,766 alleles (0.0011%); highest among the groups gnomAD compares: African/African-American, 0.0027%; no homozygotes.

Submission:

Labcorp Genetics (formerly Invitae), Labcorp
Classification: Uncertain significance for Fanconi anemia complementation group Q; Xeroderma pigmentosum, group F; Cockayne syndrome. Last evaluated: 2020-10-21. Review status: criteria provided, single submitter. Criteria: Invitae Variant Classification Sherloc (09022015). Collection method: clinical testing. Allele origin: germline.
Comment: This sequence change replaces aspartic acid with asparagine at codon 42 of the ERCC4 protein (p.Asp42Asn). The aspartic acid residue is moderately conserved and there is a small physicochemical difference between aspartic acid and asparagine. In summary, the available evidence is currently insufficient to determine the role of this variant in disease. Therefore, it has been classified as a Variant of Uncertain Significance. Algorithms developed to predict the effect of missense changes on protein structure and function are either unavailable or do not agree on the potential impact of this missense change (SIFT: "Tolerated"; PolyPhen-2: "Probably Damaging"; Align-GVGD: "Class C0"). This variant has not been reported in the literature in individuals with ERCC4-related conditions. This variant is present in population databases (rs767138486, ExAC 0.003%).